The following is an entry in ClinVar:

ClinVar aggregate classification (germline): Uncertain significance. Review status: criteria provided, multiple submitters, no conflicts (2 of 4 stars). 3 submissions from 3 submitters: Uncertain significance (3). Last evaluated 2026-02-14.

Conditions:
TTN-related disorder. Also called: TTN-related disorders; TTN-related condition; TTN-related disease.
Cardiovascular phenotype. Identifiers: MedGen CN230736.

Allele frequency attached by ClinVar (database versions not stated): TOPMed below 0.00001; gnomAD 0.00001; gnomAD exomes 0.00001.
gnomAD v4.1: 7 of 1,612,476 alleles (0.00043%); highest among the groups gnomAD compares: Middle Eastern, 0.082%; no homozygotes.

Submissions (3):

Women's Health and Genetics/Laboratory Corporation of America, LabCorp
Classification: Uncertain significance. Last evaluated: 2026-02-14. Review status: criteria provided, single submitter. Criteria: LabCorp Variant Classification Summary - May 2015. Collection method: clinical testing. Allele origin: germline.

PreventionGenetics, part of Exact Sciences
Classification: Uncertain significance for TTN-related condition. Last evaluated: 2025-08-13. Review status: criteria provided, single submitter. Criteria: ACMG Guidelines, 2015. Collection method: clinical testing. Allele origin: germline.
Comment: The TTN c.100310A>G variant is predicted to result in the amino acid substitution p.Asn33437Ser. To our knowledge, this variant has not been reported in the literature or in a large population database (gnomAD), indicating this variant is rare. At this time, the clinical significance of this variant is uncertain due to the absence of conclusive functional and genetic evidence.

Ambry Genetics
Classification: Uncertain significance for Cardiovascular phenotype. Last evaluated: 2020-03-11. Review status: criteria provided, single submitter. Criteria: Ambry Variant Classification Scheme 2023. Collection method: clinical testing. Allele origin: germline.
Comment: The p.N24372S variant (also known as c.73115A>G), located in coding exon 184 of the TTN gene, results from an A to G substitution at nucleotide position 73115. The asparagine at codon 24372 is replaced by serine, an amino acid with highly similar properties. This amino acid position is well conserved in available vertebrate species; however, serine is the reference amino acid in other vertebrate species. In addition, this alteration is predicted to be tolerated by in silico analysis. Since supporting evidence is limited at this time, the clinical significance of this alteration remains unclear.

NM_001267550.2(TTN):c.100310A>G (p.Asn33437Ser)

Genes: TTN-AS1 (TTN antisense RNA 1; plus strand), TTN (titin; minus strand), LOC126806420 (BRD4-independent group 4 enhancer GRCh37_chr2:179401104-179402303; plus strand). Cytogenetic location: 2q31.2.
Variant type: single nucleotide variant.
Coding change: c.100310A>G on transcript NM_001267550.2 (MANE Select); coding-DNA position 100310, A replaced by G.
Protein change: p.Asn33437Ser; replaces asparagine 33437 with serine.
Molecular consequence: missense variant.
Genome position (GRCh38, 1-based): chr2:178,536,437, T>C on the plus strand (A>G on the coding strand, the complement: TTN is on the minus strand). VCF-style: chr2-178536437-T-C. GRCh37 (hg19) VCF-style: chr2-179401164-T-C.
Other names: c.95387A>G, p.Asn31796Ser (NM_001256850.1); c.73115A>G, p.Asn24372Ser (NM_003319.4); c.92606A>G, p.Asn30869Ser (NM_133378.4); c.73490A>G, p.Asn24497Ser (NM_133432.3); c.73691A>G, p.Asn24564Ser (NM_133437.4); short protein forms N31796S, N30869S, N33437S, N24372S, N24497S, N24564S.
Identifiers: ClinVar variation 1758263 (VCV001758263.4), dbSNP rs1691532335, ClinGen allele CA349426301.